The following is an entry in ClinVar:

ClinVar aggregate classification (germline): Uncertain significance (1 of 4 stars; one submission).

gnomAD v4.1: 2 of 1,613,214 alleles (0.00012%); highest among the groups gnomAD compares: Non-Finnish European, 0.00017%; no homozygotes.

Submission:

GeneDx
Classification: Uncertain significance. Last evaluated: 2023-10-27. Review status: criteria provided, single submitter. Criteria: GeneDx Variant Classification Process June 2021. Collection method: clinical testing. Allele origin: germline. Affected: yes.
Comment: Not observed at significant frequency in large population cohorts (gnomAD); In silico analysis supports that this missense variant has a deleterious effect on protein structure/function; In addition, in silico splice predictors suggest this variant may lead to abnormal gene splicing. In the absence of RNA/functional studies, the actual effect of this sequence change is unknown.; Has not been previously published as pathogenic or benign to our knowledge

NM_015465.5(GEMIN5):c.3013A>T (p.Arg1005Trp)

Gene: GEMIN5 (gem nuclear organelle associated protein 5; minus strand). Cytogenetic location: 5q33.2.
Variant type: single nucleotide variant.
Coding change: c.3013A>T on transcript NM_015465.5 (MANE Select); coding-DNA position 3013, A replaced by T.
Protein change: p.Arg1005Trp; replaces arginine 1005 with tryptophan.
Molecular consequence: missense variant.
Genome position (GRCh38, 1-based): chr5:154,901,340, T>A on the plus strand (A>T on the coding strand, the complement: GEMIN5 is on the minus strand). VCF-style: chr5-154901340-T-A. GRCh37 (hg19) VCF-style: chr5-154280900-T-A.
Other names: c.3010A>T, p.Arg1004Trp (NM_001252156.2); short protein forms R1004W, R1005W.
Identifiers: ClinVar variation 3363556 (VCV003363556.1).